The following is an entry in ClinVar:

ClinVar aggregate classification (germline): Uncertain significance (1 of 4 stars; one submission).

Conditions:
Developmental and epileptic encephalopathy, 60. Also called: EPILEPTIC ENCEPHALOPATHY, EARLY INFANTILE, 60. Identifiers: MedGen C4693663, MONDO:0033369, OMIM 617929.

Allele frequency attached by ClinVar (database versions not stated): TOPMed below 0.00001; gnomAD exomes 0.00001.

Submission:

Baylor Genetics
Classification: Uncertain significance for Developmental and epileptic encephalopathy, 60. Last evaluated: 2020-05-13. Review status: criteria provided, single submitter. Criteria: ACMG Guidelines, 2015. Collection method: clinical testing. Allele origin: unknown. Affected: yes.
Comment: This variant was determined to be of uncertain significance according to ACMG Guidelines, 2015 [PMID:25741868].

NM_006586.5(CNPY3):c.276-32G>A

Genes: CNPY3 (canopy FGF signaling regulator 3; plus strand), CNPY3-GNMT (CNPY3-GNMT readthrough; plus strand). Cytogenetic location: 6p21.1.
Variant type: single nucleotide variant.
Coding change: c.276-32G>A on transcript NM_006586.5 (MANE Select); 32 bases into the intron before coding-DNA position 276, G replaced by A.
Molecular consequence: intron variant. On other transcripts: missense variant (1).
Genome position (GRCh38, 1-based): chr6:42,935,542, G>A. VCF-style: chr6-42935542-G-A. GRCh37 (hg19) VCF-style: chr6-42903280-G-A.
Other names: c.343G>A, p.Glu115Lys (NM_001318842.1); c.9-32G>A (NM_001318845.1); c.338-32G>A (NM_001318847.2); c.276-32G>A (NM_001318848.2); c.8+5821G>A (NM_001318856.2); c.151+5821G>A (NM_001318857.2, NM_001318858.2); short protein forms E115K.
Identifiers: ClinVar variation 1030425 (VCV001030425.1), dbSNP rs1325158416, ClinGen allele CA450255552.